The following is an entry in ClinVar:

NM_001130438.3(SPTAN1):c.5775C>T (p.Thr1925=)

Gene: SPTAN1 (spectrin alpha, non-erythrocytic 1; plus strand). Cytogenetic location: 9q34.11.
Variant type: single nucleotide variant.
Coding change: c.5775C>T on transcript NM_001130438.3 (MANE Select); coding-DNA position 5775, C replaced by T.
Protein change: p.Thr1925=; no amino-acid change (threonine 1925 retained).
Molecular consequence: synonymous variant.
Genome position (GRCh38, 1-based): chr9:128,621,199, C>T. VCF-style: chr9-128621199-C-T. GRCh37 (hg19) VCF-style: chr9-131383478-C-T.
Other names: p.T1925T:ACC>ACT; p.Thr1925=; c.5700C>T, p.Thr1900= (NM_001195532.2); c.5775C>T, p.Thr1925= (NM_001363759.2); c.5715C>T, p.Thr1905= (NM_001363765.2); c.5760C>T, p.Thr1920= (NM_003127.4).
Identifiers: ClinVar variation 139303 (VCV000139303.50), dbSNP rs140353002, ClinGen allele CA293745.
Genomic context (GRCh38, chr9:128,621,199, plus strand): 5'-TTGGCTGCTTCTACTCCAGGGCTTACTGAAGAAACATGAAGCTTTTGAGACAGACTTCAC[C>T]GTCCACAAGGATCGCGTGAATGATGTCTGCACCAATGGACAAGACCTCATTAAGAAGGTG-3'
Protein context (NP_001123910.1, residues 1915-1935): KKHEAFETDF[Thr1925=]VHKDRVNDVC

ClinVar aggregate classification (germline): Benign/Likely benign. Review status: criteria provided, multiple submitters, no conflicts (2 of 4 stars). 10 submissions from 10 submitters: Benign (4); Likely benign (6). Last evaluated 2026-07-01.

Conditions:
Early-infantile DEE. Also called: Early infantile epileptic encephalopathy; Ohtahara syndrome; Early infantile epileptic encephalopathy with suppression bursts. Identifiers: Orphanet 1934, MedGen C0393706, MONDO:0800491.
Inborn genetic diseases. Identifiers: MedGen C0950123, MeSH D030342.
Developmental and epileptic encephalopathy, 5 (DEE5). Identifiers: Orphanet 3451, MedGen C3150731, MONDO:0013277, OMIM 613477.

Allele frequency attached by ClinVar (database versions not stated): ExAC 0.00075; 1000 Genomes Project 0.00080; gnomAD exomes 0.00086 and 0.00151; 1000 Genomes Project 30x 0.00109; gnomAD 0.00127 and 0.00130; TOPMed 0.00133; ESP Exome Variant Server 0.00138.
gnomAD v4.1: 2,435 of 1,614,102 alleles (0.15%); highest among the groups gnomAD compares: Admixed American, 0.21%; 4 homozygotes.

Submissions (10):

CeGaT Center for Human Genetics Tuebingen
Classification: Likely benign. Last evaluated: 2026-07-01. Review status: criteria provided, single submitter. Criteria: CeGaT Center For Human Genetics Tuebingen Variant Classification Criteria Version 2. Collection method: clinical testing. Allele origin: germline. Affected: yes. Observed: 13 variant alleles.
Comment: SPTAN1: BP4, BP7, BS1

Labcorp Genetics (formerly Invitae), Labcorp
Classification: Benign for Early-infantile DEE. Last evaluated: 2026-02-03. Review status: criteria provided, single submitter. Criteria: Invitae Variant Classification Sherloc (09022015). Collection method: clinical testing. Allele origin: germline.

Mayo Clinic Laboratories, Mayo Clinic
Classification: Likely benign. Last evaluated: 2025-06-23. Review status: criteria provided, single submitter. Criteria: ACMG Guidelines, 2015. Collection method: clinical testing. Allele origin: germline. Observed: 3 variant alleles.
Comment: BS1, BP4, BP7

Blueprint Genetics
Classification: Likely benign. Last evaluated: 2024-10-15. Review status: criteria provided, single submitter. Criteria: ACMG Guidelines, 2015. Collection method: clinical testing. Allele origin: germline.

Fulgent Genetics
Classification: Likely benign for Developmental and epileptic encephalopathy, 5. Last evaluated: 2021-08-04. Review status: criteria provided, single submitter. Criteria: ACMG Guidelines, 2015. Collection method: clinical testing. Allele origin: unknown.

Genome-Nilou Lab
Classification: Benign for Developmental and epileptic encephalopathy, 5. Last evaluated: 2021-07-15. Review status: criteria provided, single submitter. Criteria: ACMG Guidelines, 2015. Collection method: clinical testing. Allele origin: germline. Affected: no.

Athena Diagnostics
Classification: Benign. Last evaluated: 2016-10-13. Review status: criteria provided, single submitter. Criteria: Athena Diagnostics Criteria. Collection method: clinical testing. Allele origin: germline.

Ambry Genetics
Classification: Likely benign for Inborn genetic diseases. Last evaluated: 2016-09-06. Review status: criteria provided, single submitter. Criteria: Ambry Variant Classification Scheme 2023. Collection method: clinical testing. Allele origin: germline.

Eurofins Ntd Llc (ga)
Classification: Likely benign. Last evaluated: 2016-07-01. Review status: criteria provided, single submitter. Criteria: EGL Classification Definitions 2015. Collection method: clinical testing. Allele origin: germline. Observed: 1 variant allele, 1 heterozygote.

GeneDx
Classification: Benign. Last evaluated: 2013-03-04. Review status: criteria provided, single submitter. Criteria: GeneDx Variant Classification (06012015). Collection method: clinical testing. Allele origin: germline. Affected: yes.
Comment: This variant is considered likely benign or benign based on one or more of the following criteria: it is a conservative change, it occurs at a poorly conserved position in the protein, it is predicted to be benign by multiple in silico algorithms, and/or has population frequency not consistent with disease.